The following is an entry in ClinVar:

ClinVar aggregate classification (germline): Uncertain significance (1 of 4 stars; one submission).

Conditions:
Hypertrophic cardiomyopathy. Also called: HYPERTROPHIC MYOCARDIOPATHY. Identifiers: Orphanet 217569, MedGen C0007194, MeSH D002312, MONDO:0005045, HP:0001639.

Submission:

Labcorp Genetics (formerly Invitae), Labcorp
Classification: Uncertain significance for Hypertrophic cardiomyopathy. Last evaluated: 2024-09-24. Review status: criteria provided, single submitter. Criteria: Invitae Variant Classification Sherloc (09022015). Collection method: clinical testing. Allele origin: germline.
Comment: This sequence change inserts a large fragment of DNA, likely a transposable element, in exon 10 of the MYOM1 gene (c.1340_1341ins118), causing a frameshift at codon 447 (p.Gly447fs?). The exact size and sequence of the insertion cannot be determined by the current assay. However, the insertion is expected to result in an absent or disrupted protein product. This variant is not present in population databases (gnomAD no frequency). This variant has not been reported in the literature in individuals affected with MYOM1-related conditions. Retrotransposon insertions including LINE1 (L1), Alu, and SVA (SINE-VNTR-Alu) have been reported to disrupt protein function (PMID: 19763152, 20307669, 22406018). However the effect of this particular variant is unknown. In summary, the available evidence is currently insufficient to determine the role of this variant in disease. Therefore, it has been classified as a Variant of Uncertain Significance.

Literature cited by the submitters: PubMed 19763152; PubMed 20307669; PubMed 22406018.

NC_000018.10:g.3164453_3164454insTTTTTTTTTTTTTTTTTTTTNNNNNNNNNNCTCCCGACCTTGTGATCCACCCGCCTCGGCCTCCCAGAGTGCTGGGATTACAAGCGTGAGCCACCGCGCCCGGCCTAGAAATATTTTA

Gene: MYOM1 (myomesin 1; minus strand). Cytogenetic location: 18p11.31.
Variant type: Insertion.
Genome position: GRCh38: chr18:3,164,453-3,164,454. GRCh37 (hg19): chr18:3,164,451-3,164,452.
Identifiers: ClinVar variation 3648745 (VCV003648745.2).